The following is an entry in ClinVar:

NM_000080.4(CHRNE):c.23T>C (p.Val8Ala)

Genes: C17orf107 (chromosome 17 open reading frame 107; plus strand), CHRNE (cholinergic receptor nicotinic epsilon subunit; minus strand). Cytogenetic location: 17p13.2.
Variant type: single nucleotide variant.
Coding change: c.23T>C on transcript NM_000080.4 (MANE Select); coding-DNA position 23, T replaced by C.
Protein change: p.Val8Ala; replaces valine 8 with alanine.
Molecular consequence: missense variant.
Genome position (GRCh38, 1-based): chr17:4,903,041, A>G on the plus strand (T>C on the coding strand, the complement: CHRNE is on the minus strand). VCF-style: chr17-4903041-A-G. GRCh37 (hg19) VCF-style: chr17-4806336-A-G.
Other names: short protein forms V8A.
Identifiers: ClinVar variation 705677 (VCV000705677.21), dbSNP rs199807050, ClinGen allele CA8314643.

ClinVar aggregate classification (germline): Conflicting classifications of pathogenicity. Review status: criteria provided, conflicting classifications (1 of 4 stars). 7 submissions from 7 submitters: Uncertain significance (2); Likely benign (3). 2 of the submissions do not count toward it. Last evaluated 2026-01-31.

Conditions:
CHRNE-related disorder. Also called: CHRNE-related condition.
Inborn genetic diseases. Identifiers: MedGen C0950123, MeSH D030342.
Congenital myasthenic syndrome 4A. Also called: Myasthenic syndrome, congenital, 4a, slow-channel; CONGENITAL MYASTHENIC SYNDROME TYPE Ia1; MYASTHENIC SYNDROME, CONGENITAL, 4A, SLOW-CHANNEL, AUTOSOMAL RECESSIVE. Identifiers: Orphanet 590, MedGen C4225413, MONDO:0011600, OMIM 605809.
Congenital myasthenic syndrome (CMS). Also called: Congenital Myasthenic Syndromes. Identifiers: Orphanet 590, MedGen C0751882, MeSH D020294, MONDO:0018940.

Allele frequency attached by ClinVar (database versions not stated): ESP Exome Variant Server 0.00008; gnomAD exomes 0.00019 and 0.00038; gnomAD 0.00025 and 0.00026; ExAC 0.00026; TOPMed 0.00028.
gnomAD v4.1: 344 of 1,613,490 alleles (0.021%); highest among the groups gnomAD compares: Non-Finnish European, 0.0026%; no homozygotes.

Submissions (7):

Labcorp Genetics (formerly Invitae), Labcorp
Classification: Likely benign for Congenital myasthenic syndrome 4A. Last evaluated: 2026-01-31. Review status: criteria provided, single submitter. Criteria: Invitae Variant Classification Sherloc (09022015). Collection method: clinical testing. Allele origin: germline.

Blueprint Genetics
Classification: Likely benign. Last evaluated: 2024-10-09. Review status: criteria provided, single submitter. Criteria: ACMG Guidelines, 2015. Collection method: clinical testing. Allele origin: germline.

Ambry Genetics
Classification: Likely benign for Inborn genetic diseases. Last evaluated: 2023-08-21. Review status: criteria provided, single submitter. Criteria: Ambry Variant Classification Scheme 2023. Collection method: clinical testing. Allele origin: germline.

GeneDx
Classification: Uncertain significance. Last evaluated: 2019-09-30. Review status: criteria provided, single submitter. Criteria: GeneDx Variant Classification Process June 2021. Collection method: clinical testing. Allele origin: germline. Affected: yes.
Comment: In silico analysis, which includes protein predictors and evolutionary conservation, supports that this variant does not alter protein structure/function; Has not been previously published as pathogenic or benign to our knowledge

Illumina Laboratory Services, Illumina
Classification: Uncertain significance for Congenital myasthenic syndrome. Last evaluated: 2017-04-27. Review status: criteria provided, single submitter. Criteria: ICSL Variant Classification Criteria 13 December 2019. Collection method: clinical testing. Allele origin: germline.

Natera, Inc.
Classification: Likely benign for Congenital myasthenic syndrome. Last evaluated: 2020-09-16. Review status: no assertion criteria provided. Collection method: clinical testing. Allele origin: germline. Not counted in ClinVar's aggregate classification.

PreventionGenetics, part of Exact Sciences
Classification: Likely benign for CHRNE-related condition. Last evaluated: 2020-07-28. Review status: no assertion criteria provided. Collection method: clinical testing. Allele origin: germline. Not counted in ClinVar's aggregate classification.
Comment: This variant is classified as likely benign based on ACMG/AMP sequence variant interpretation guidelines (Richards et al. 2015 PMID: 25741868, with internal and published modifications).